The following is an entry in ClinVar:

ClinVar aggregate classification (germline): Uncertain significance (1 of 4 stars; one submission).

Conditions:
MMP20-related disorder. Also called: MMP20-related condition.

gnomAD v4.1: 2 of 1,613,926 alleles (0.00012%); highest among the groups gnomAD compares: African/African-American, 0.0027%; no homozygotes.

Submission:

PreventionGenetics, part of Exact Sciences
Classification: Uncertain significance for MMP20-related condition. Last evaluated: 2025-04-19. Review status: criteria provided, single submitter. Criteria: ACMG Guidelines, 2015. Collection method: clinical testing. Allele origin: germline.
Comment: The MMP20 c.547G>T variant is predicted to result in the amino acid substitution p.Asp183Tyr. To our knowledge, this variant has not been reported in the literature. This variant is reported in 0.011% of alleles in individuals of African descent in gnomAD. Although we suspect that this variant may be pathogenic, at this time, the clinical significance of this variant is uncertain due to the absence of conclusive functional and genetic evidence.

NM_004771.4(MMP20):c.547G>T (p.Asp183Tyr)

Gene: MMP20 (matrix metallopeptidase 20; minus strand). Cytogenetic location: 11q22.2.
Variant type: single nucleotide variant.
Coding change: c.547G>T on transcript NM_004771.4 (MANE Select); coding-DNA position 547, G replaced by T.
Protein change: p.Asp183Tyr; replaces aspartic acid 183 with tyrosine.
Molecular consequence: missense variant.
Genome position (GRCh38, 1-based): chr11:102,610,007, C>A on the plus strand (G>T on the coding strand, the complement: MMP20 is on the minus strand). VCF-style: chr11-102610007-C-A. GRCh37 (hg19) VCF-style: chr11-102480738-C-A.
Other names: short protein forms D183Y.
Identifiers: ClinVar variation 4982275 (VCV004982275.1).